The following is an entry in ClinVar:

NM_015311.3(OBSL1):c.1270G>A (p.Val424Ile)

Gene: OBSL1 (obscurin like cytoskeletal adaptor 1; minus strand). Cytogenetic location: 2q35.
Variant type: single nucleotide variant.
Coding change: c.1270G>A on transcript NM_015311.3 (MANE Select); coding-DNA position 1270, G replaced by A.
Protein change: p.Val424Ile; replaces valine 424 with isoleucine.
Molecular consequence: missense variant.
Genome position (GRCh38, 1-based): chr2:219,568,067, C>T on the plus strand (G>A on the coding strand, the complement: OBSL1 is on the minus strand). VCF-style: chr2-219568067-C-T. GRCh37 (hg19) VCF-style: chr2-220432789-C-T.
Other names: c.1270G>A (NM_015311.2); c.1270G>A, p.Val424Ile (NM_001173408.2, NM_001173431.2); short protein forms V424I.
Identifiers: ClinVar variation 1507915 (VCV001507915.7), dbSNP rs754342154, ClinGen allele CA2131586.

ClinVar aggregate classification (germline): Uncertain significance. Review status: criteria provided, multiple submitters, no conflicts (2 of 4 stars). 3 submissions from 3 submitters: Uncertain significance (3). Last evaluated 2025-03-17.

Allele frequency attached by ClinVar (database versions not stated): ExAC 0.00001; gnomAD 0.00002; gnomAD exomes 0.00002; TOPMed 0.00003.
gnomAD v4.1: 190 of 1,609,646 alleles (0.012%); highest among the groups gnomAD compares: Non-Finnish European, 0.016%; no homozygotes.

Submissions (3):

GeneDx
Classification: Uncertain significance. Last evaluated: 2025-03-17. Review status: criteria provided, single submitter. Criteria: GeneDx Variant Classification Process June 2021. Collection method: clinical testing. Allele origin: germline. Affected: yes.
Comment: In silico analysis indicates that this missense variant does not alter protein structure/function; Has not been previously published as pathogenic or benign to our knowledge

Labcorp Genetics (formerly Invitae), Labcorp
Classification: Uncertain significance. Last evaluated: 2024-01-22. Review status: criteria provided, single submitter. Criteria: Invitae Variant Classification Sherloc (09022015). Collection method: clinical testing. Allele origin: germline.
Comment: This sequence change replaces valine, which is neutral and non-polar, with isoleucine, which is neutral and non-polar, at codon 424 of the OBSL1 protein (p.Val424Ile). This variant is present in population databases (rs754342154, gnomAD 0.004%). This variant has not been reported in the literature in individuals affected with OBSL1-related conditions. ClinVar contains an entry for this variant (Variation ID: 1507915). An algorithm developed to predict the effect of missense changes on protein structure and function (PolyPhen-2) suggests that this variant is likely to be disruptive. In summary, the available evidence is currently insufficient to determine the role of this variant in disease. Therefore, it has been classified as a Variant of Uncertain Significance.

Blueprint Genetics
Classification: Uncertain significance. Last evaluated: 2021-01-04. Review status: criteria provided, single submitter. Criteria: ACMG Guidelines, 2015. Collection method: clinical testing. Allele origin: germline.